The following is an entry in ClinVar:

ClinVar aggregate classification (germline): Likely benign (1 of 4 stars; one submission).

Submission:

CeGaT Center for Human Genetics Tuebingen
Classification: Likely benign. Last evaluated: 2025-01-01. Review status: criteria provided, single submitter. Criteria: CeGaT Center For Human Genetics Tuebingen Variant Classification Criteria Version 2. Collection method: clinical testing. Allele origin: germline. Affected: yes. Observed: 1 variant allele.
Comment: XPC: PM2:Supporting, BP4, BP7

NM_004628.5(XPC):c.2706C>G (p.Ala902=)

Gene: XPC (XPC complex subunit, DNA damage recognition and repair factor; minus strand). Cytogenetic location: 3p25.1.
Variant type: single nucleotide variant.
Coding change: c.2706C>G on transcript NM_004628.5 (MANE Select); coding-DNA position 2706, C replaced by G.
Protein change: p.Ala902=; no amino-acid change (alanine 902 retained).
Molecular consequence: synonymous variant. On other transcripts: non-coding transcript variant (2).
Genome position (GRCh38, 1-based): chr3:14,146,058, G>C on the plus strand (C>G on the coding strand, the complement: XPC is on the minus strand). VCF-style: chr3-14146058-G-C. GRCh37 (hg19) VCF-style: chr3-14187558-G-C.
Other names: c.2127C>G, p.Ala709= (NM_001354726.2); c.2700C>G, p.Ala900= (NM_001354727.2); c.2688C>G, p.Ala896= (NM_001354729.2); c.2460C>G, p.Ala820= (NM_001354730.2).
Identifiers: ClinVar variation 3772215 (VCV003772215.13).
Genomic context (GRCh38, chr3:14,146,058, plus strand): 5'-CTTCTTGGGCCCACCCTTCAGCTTCTGCTTTTCTTCATCTTCTCGGTTTTGAGGCCAGGA[G>C]GCAGCCAGTATCCTGGCCGCTTCTGCTTGAGAGCTGGTCCCCTCCTCTTCATCAGAAGAG-3'
Protein context (NP_004619.3, residues 892-912): SQAEAARILA[Ala902=]SWPQNREDEE